The following is an entry in ClinVar:

NM_000170.3(GLDC):c.1664T>G (p.Leu555Arg)

Gene: GLDC (glycine decarboxylase; minus strand). Cytogenetic location: 9p24.1.
Variant type: single nucleotide variant.
Coding change: c.1664T>G on transcript NM_000170.3 (MANE Select); coding-DNA position 1664, T replaced by G.
Protein change: p.Leu555Arg; replaces leucine 555 with arginine.
Molecular consequence: missense variant.
Genome position (GRCh38, 1-based): chr9:6,588,619, A>C on the plus strand (T>G on the coding strand, the complement: GLDC is on the minus strand). VCF-style: chr9-6588619-A-C. GRCh37 (hg19) VCF-style: chr9-6588619-A-C.
Other names: short protein forms L555R.
Identifiers: ClinVar variation 554528 (VCV000554528.47), dbSNP rs765384489, ClinGen allele CA4980598.

ClinVar aggregate classification (germline): Conflicting classifications of pathogenicity. Review status: criteria provided, conflicting classifications (1 of 4 stars). 4 submissions from 4 submitters: Likely pathogenic (2); Uncertain significance (1). 1 of the submissions does not count toward it. Last evaluated 2024-09-01.

Conditions:
Glycine encephalopathy. Also called: Nonketotic hyperglycinemia; Non-ketotic hyperglycinemia. Identifiers: Orphanet 407, MedGen C0751748, MONDO:0011612, HP:0008288.
Glycine encephalopathy 1 (GCE1). Identifiers: MedGen CN376801, MONDO:0958179, OMIM 605899.

Allele frequency attached by ClinVar (database versions not stated): gnomAD exomes below 0.00001 and 0.00001; TOPMed below 0.00001; ExAC 0.00001; gnomAD 0.00001.
gnomAD v4.1: 9 of 1,602,418 alleles (0.00056%); highest among the groups gnomAD compares: Non-Finnish European, 0.00068%; no homozygotes.

Submissions (4):

Labcorp Genetics (formerly Invitae), Labcorp
Classification: Likely pathogenic for Glycine encephalopathy. Last evaluated: 2024-09-01. Review status: criteria provided, single submitter. Criteria: Invitae Variant Classification Sherloc (09022015). Collection method: clinical testing. Allele origin: germline.
Comment: This sequence change replaces leucine, which is neutral and non-polar, with arginine, which is basic and polar, at codon 555 of the GLDC protein (p.Leu555Arg). This variant is present in population databases (rs765384489, gnomAD 0.004%). This missense change has been observed in individual(s) with nonketotic hyperglycinemia (PMID: 27362913). In at least one individual the data is consistent with being in trans (on the opposite chromosome) from a pathogenic variant. ClinVar contains an entry for this variant (Variation ID: 554528). An algorithm developed to predict the effect of missense changes on protein structure and function (PolyPhen-2) suggests that this variant is likely to be disruptive. In summary, the currently available evidence indicates that the variant is pathogenic, but additional data are needed to prove that conclusively. Therefore, this variant has been classified as Likely Pathogenic.

Women's Health and Genetics/Laboratory Corporation of America, LabCorp
Classification: Uncertain significance. Last evaluated: 2023-03-20. Review status: criteria provided, single submitter. Criteria: LabCorp Variant Classification Summary - May 2015. Collection method: clinical testing. Allele origin: germline.
Comment: Variant summary: GLDC c.1664T>G (p.Leu555Arg) results in a non-conservative amino acid change in the encoded protein sequence. Five of five in-silico tools predict a damaging effect of the variant on protein function. One in silico tool predicts possible damaging effect on splicing for this variant. However, this prediction has not been experimentally confirmed. The variant allele was found at a frequency of 4e-06 in 250722 control chromosomes (gnomAD). The available data on variant occurrences in the general population are insufficient to allow any conclusion about variant significance. The variant, c.1664T>G, has been reported in the literature in at-least one individual affected with Glycine Encephalopathy (Non-Ketotic Hyperglycinemia) (Coughlin_2017). To our knowledge, no experimental evidence demonstrating an impact on protein function has been reported. Three clinical diagnostic laboratories have submitted clinical-significance assessments for this variant to ClinVar after 2014, and classified the variant as VUS (n=1) and likely pathogenic (n=2). Based on the evidence outlined above, the variant was classified as VUS-possibly pathogenic.

CeGaT Center for Human Genetics Tuebingen
Classification: Likely pathogenic. Last evaluated: 2020-10-01. Review status: criteria provided, single submitter. Criteria: CeGaT Center For Human Genetics Tuebingen Variant Classification Criteria Version 2. Collection method: clinical testing. Allele origin: germline. Affected: yes. Observed: 1 variant allele.

Counsyl
Classification: Uncertain significance for Glycine encephalopathy 1. Last evaluated: 2017-10-24. Review status: no assertion criteria provided. Collection method: clinical testing. Allele origin: unknown. Not counted in ClinVar's aggregate classification.

Literature cited by the submitters: PubMed 27362913 (cited by 3 submitters).